The following is an entry in ClinVar:

NM_002485.5(NBN):c.1028C>T (p.Ser343Leu)

Gene: NBN (nibrin; minus strand). Cytogenetic location: 8q21.3.
Variant type: single nucleotide variant.
Coding change: c.1028C>T on transcript NM_002485.5 (MANE Select); coding-DNA position 1028, C replaced by T.
Protein change: p.Ser343Leu; replaces serine 343 with leucine.
Molecular consequence: missense variant.
Genome position (GRCh38, 1-based): chr8:89,958,821, G>A on the plus strand (C>T on the coding strand, the complement: NBN is on the minus strand). VCF-style: chr8-89958821-G-A. GRCh37 (hg19) VCF-style: chr8-90971049-G-A.
Other names: c.782C>T, p.Ser261Leu (NM_001024688.3); short protein forms S343L, S261L.
Identifiers: ClinVar variation 954985 (VCV000954985.11), dbSNP rs1810856747, ClinGen allele CA371656755.

ClinVar aggregate classification (germline): Uncertain significance. Review status: criteria provided, multiple submitters, no conflicts (2 of 4 stars). 3 submissions from 3 submitters: Uncertain significance (3). Last evaluated 2024-03-08.

Conditions:
Microcephaly, normal intelligence and immunodeficiency (NBS). Also called: IMMUNODEFICIENCY, MICROCEPHALY, AND CHROMOSOMAL INSTABILITY; Ataxia telangiectasia variant V1; SEEMANOVA SYNDROME II; BERLIN BREAKAGE SYNDROME; Nijmegen breakage syndrome; Microcephaly with normal intelligence immunodeficiency and lymphoreticular malignancies. Identifiers: Orphanet 647, MedGen C0398791, MONDO:0009623, OMIM 251260.
Hereditary cancer-predisposing syndrome. Also called: Hereditary neoplastic syndrome; Tumor predisposition; Neoplastic Syndromes, Hereditary; Hereditary Cancer Syndrome. Identifiers: Orphanet 140162, MedGen C0027672, MeSH D009386, MONDO:0015356.
Aplastic anemia. Identifiers: Orphanet 182040, Orphanet 88, MedGen C0002874, MONDO:0015909, OMIM 609135, HP:0001915.

Submissions (3):

Ambry Genetics
Classification: Uncertain significance for Hereditary cancer-predisposing syndrome. Last evaluated: 2024-03-08. Review status: criteria provided, single submitter. Criteria: Ambry Variant Classification Scheme 2023. Collection method: clinical testing. Allele origin: germline.
Comment: The p.S343L variant (also known as c.1028C>T), located in coding exon 9 of the NBN gene, results from a C to T substitution at nucleotide position 1028. The serine at codon 343 is replaced by leucine, an amino acid with dissimilar properties. This amino acid position is conserved. In addition, the in silico prediction for this alteration is inconclusive. Based on the available evidence, the clinical significance of this alteration remains unclear.

Baylor Genetics
Classification: Uncertain significance for Aplastic anemia. Last evaluated: 2024-02-07. Review status: criteria provided, single submitter. Criteria: ACMG Guidelines, 2015. Collection method: clinical testing. Allele origin: unknown.

Labcorp Genetics (formerly Invitae), Labcorp
Classification: Uncertain significance for Microcephaly, normal intelligence and immunodeficiency. Last evaluated: 2023-12-30. Review status: criteria provided, single submitter. Criteria: Invitae Variant Classification Sherloc (09022015). Collection method: clinical testing. Allele origin: germline.
Comment: This sequence change replaces serine, which is neutral and polar, with leucine, which is neutral and non-polar, at codon 343 of the NBN protein (p.Ser343Leu). This variant is not present in population databases (gnomAD no frequency). This variant has not been reported in the literature in individuals affected with NBN-related conditions. ClinVar contains an entry for this variant (Variation ID: 954985). An algorithm developed to predict the effect of missense changes on protein structure and function (PolyPhen-2) suggests that this variant is likely to be disruptive. In summary, the available evidence is currently insufficient to determine the role of this variant in disease. Therefore, it has been classified as a Variant of Uncertain Significance.